The following is an entry in ClinVar:

NM_001130987.2(DYSF):c.5534G>A (p.Arg1845Gln)

Gene: DYSF (dysferlin; plus strand). Cytogenetic location: 2p13.2.
Variant type: single nucleotide variant.
Coding change: c.5534G>A on transcript NM_001130987.2 (MANE Select); coding-DNA position 5534, G replaced by A.
Protein change: p.Arg1845Gln; replaces arginine 1845 with glutamine.
Molecular consequence: missense variant.
Genome position (GRCh38, 1-based): chr2:71,668,830, G>A. VCF-style: chr2-71668830-G-A. GRCh37 (hg19) VCF-style: chr2-71895960-G-A.
Other names: c.5420G>A, p.Arg1807Gln (NM_001130455.2); c.5375G>A, p.Arg1792Gln (NM_001130976.2); c.5438G>A, p.Arg1813Gln (NM_001130977.2); c.5480G>A, p.Arg1827Gln (NM_001130978.2); c.5510G>A, p.Arg1837Gln (NM_001130979.2); c.5468G>A, p.Arg1823Gln (NM_001130980.2); c.5531G>A, p.Arg1844Gln (NM_001130981.2); c.5513G>A, p.Arg1838Gln (NM_001130982.2); and 6 more; short protein forms R1792Q, R1793Q, R1806Q, R1824Q, R1813Q, R1838Q, R1814Q, R1823Q.
Identifiers: ClinVar variation 1040455 (VCV001040455.7), dbSNP rs533781748, ClinGen allele CA1707414.

ClinVar aggregate classification (germline): Uncertain significance. Review status: criteria provided, multiple submitters, no conflicts (2 of 4 stars). 4 submissions from 4 submitters: Uncertain significance (3). 1 of the submissions does not count toward it. Last evaluated 2026-08-04.

Conditions:
Autosomal recessive limb-girdle muscular dystrophy. Identifiers: Orphanet 102015, MedGen C2931907, MONDO:0015152.
Neuromuscular disease caused by qualitative or quantitative defects of dysferlin. Also called: Qualitative or quantitative defects of dysferlin; Dysferlinopathy. Identifiers: Orphanet 207073, MedGen C2931687, MONDO:0016145.
Autosomal recessive limb-girdle muscular dystrophy type 2B (LGMDR2). Also called: MUSCULAR DYSTROPHY, LIMB-GIRDLE, TYPE 3; MUSCULAR DYSTROPHY, LIMB-GIRDLE, AUTOSOMAL RECESSIVE 2; Limb-Girdle Muscular Dystrophy Type 2B (LGMD2B); Limb-girdle muscular dystrophy, type 2B. Identifiers: Orphanet 268, MedGen C1850889, MONDO:0009676, OMIM 253601.

Allele frequency attached by ClinVar (database versions not stated): gnomAD 0.00001 and 0.00003; TOPMed 0.00001; gnomAD exomes 0.00005 and 0.00006; ExAC 0.00007; 1000 Genomes Project 0.00020; 1000 Genomes Project 30x 0.00031.
gnomAD v4.1: 74 of 1,613,320 alleles (0.0046%); highest among the groups gnomAD compares: South Asian, 0.049%; no homozygotes.

Submissions (4):

Myriad Genetics, Inc.
Classification: Uncertain significance for Autosomal recessive limb-girdle muscular dystrophy. Last evaluated: 2026-08-04. Review status: criteria provided, single submitter. Criteria: Myriad Autosomal Dominant, Autosomal Recessive and X-Linked Classification Criteria (2023). Collection method: clinical testing. Allele origin: unknown.
Comment: NM_003494.3(DYSF):c.5417G>A(R1806Q) is a missense variant classified as a variant of uncertain significance in the context of dysferlinopathy. R1806Q has not been observed in cases with relevant disease. Relevant functional assessments of this variant are not available in the literature. R1806Q has been observed in referenced population frequency databases. In summary, there is insufficient evidence to classify NM_003494.3(DYSF):c.5417G>A(R1806Q) as pathogenic or benign. Please note: this variant was assessed in the context of healthy population screening.

Labcorp Genetics (formerly Invitae), Labcorp
Classification: Uncertain significance for Neuromuscular disease caused by qualitative or quantitative defects of dysferlin. Last evaluated: 2022-06-22. Review status: criteria provided, single submitter. Criteria: Invitae Variant Classification Sherloc (09022015). Collection method: clinical testing. Allele origin: germline.
Comment: This sequence change replaces arginine, which is basic and polar, with glutamine, which is neutral and polar, at codon 1806 of the DYSF protein (p.Arg1806Gln). This variant is present in population databases (rs533781748, gnomAD 0.04%). This variant has not been reported in the literature in individuals affected with DYSF-related conditions. ClinVar contains an entry for this variant (Variation ID: 1040455). Advanced modeling of protein sequence and biophysical properties (such as structural, functional, and spatial information, amino acid conservation, physicochemical variation, residue mobility, and thermodynamic stability) performed at Invitae indicates that this missense variant is expected to disrupt DYSF protein function. Algorithms developed to predict the effect of sequence changes on RNA splicing suggest that this variant may create or strengthen a splice site. In summary, the available evidence is currently insufficient to determine the role of this variant in disease. Therefore, it has been classified as a Variant of Uncertain Significance.

Revvity Omics, Revvity
Classification: Uncertain significance. Last evaluated: 2020-06-30. Review status: criteria provided, single submitter. Criteria: ACMG Guidelines, 2015. Collection method: clinical testing. Allele origin: germline.

Natera, Inc.
Classification: Uncertain significance for Limb-girdle muscular dystrophy type 2B. Last evaluated: 2020-03-22. Review status: no assertion criteria provided. Collection method: clinical testing. Allele origin: germline. Not counted in ClinVar's aggregate classification.